The following is an entry in ClinVar:

ClinVar aggregate classification (germline): Uncertain significance (1 of 4 stars; one submission).

Conditions:
Mitochondrial DNA depletion syndrome 9 (MTDPS9). Also called: SUCLG1-Related Mitochondrial DNA Depletion Syndrome, Encephalomyopathic Form with Methylmalonic Aciduria. Identifiers: Orphanet 17, MedGen C3151476, MONDO:0009504, OMIM 245400.

Allele frequency attached by ClinVar (database versions not stated): gnomAD exomes 0.00001 and 0.00003; gnomAD 0.00002 and 0.00004; ExAC 0.00005; ESP Exome Variant Server 0.00008; 1000 Genomes Project 0.00060; 1000 Genomes Project 30x 0.00062.

Submission:

Labcorp Genetics (formerly Invitae), Labcorp
Classification: Uncertain significance for Mitochondrial DNA depletion syndrome 9. Last evaluated: 2024-11-11. Review status: criteria provided, single submitter. Criteria: Invitae Variant Classification Sherloc (09022015). Collection method: clinical testing. Allele origin: germline.
Comment: This sequence change replaces arginine, which is basic and polar, with tryptophan, which is neutral and slightly polar, at codon 39 of the SUCLG1 protein (p.Arg39Trp). The frequency data for this variant in the population databases is considered unreliable, as metrics indicate poor data quality at this position in the gnomAD database. This variant has not been reported in the literature in individuals affected with SUCLG1-related conditions. ClinVar contains an entry for this variant (Variation ID: 1348885). Invitae Evidence Modeling of protein sequence and biophysical properties (such as structural, functional, and spatial information, amino acid conservation, physicochemical variation, residue mobility, and thermodynamic stability) has been performed for this missense variant. However, the output from this modeling did not meet the statistical confidence thresholds required to predict the impact of this variant on SUCLG1 protein function. In summary, the available evidence is currently insufficient to determine the role of this variant in disease. Therefore, it has been classified as a Variant of Uncertain Significance.

NM_003849.4(SUCLG1):c.115C>T (p.Arg39Trp)

Gene: SUCLG1 (succinate-CoA ligase GDP/ADP-forming subunit alpha; minus strand). Cytogenetic location: 2p11.2.
Variant type: single nucleotide variant.
Coding change: c.115C>T on transcript NM_003849.4 (MANE Select); coding-DNA position 115, C replaced by T.
Protein change: p.Arg39Trp; replaces arginine 39 with tryptophan.
Molecular consequence: missense variant.
Genome position (GRCh38, 1-based): chr2:84,449,735, G>A on the plus strand (C>T on the coding strand, the complement: SUCLG1 is on the minus strand). VCF-style: chr2-84449735-G-A. GRCh37 (hg19) VCF-style: chr2-84676859-G-A.
Other names: short protein forms R39W.
Identifiers: ClinVar variation 1348885 (VCV001348885.5), dbSNP rs75525826, ClinGen allele CA1736421.